The following is an entry in ClinVar:

NM_015338.6(ASXL1):c.514G>A (p.Val172Ile)

Gene: ASXL1 (ASXL transcriptional regulator 1; plus strand). Cytogenetic location: 20q11.21.
Variant type: single nucleotide variant.
Coding change: c.514G>A on transcript NM_015338.6 (MANE Select); coding-DNA position 514, G replaced by A.
Protein change: p.Val172Ile; replaces valine 172 with isoleucine.
Molecular consequence: missense variant.
Genome position (GRCh38, 1-based): chr20:32,429,380, G>A. VCF-style: chr20-32429380-G-A. GRCh37 (hg19) VCF-style: chr20-31017183-G-A.
Other names: c.484G>A, p.Val162Ile (NM_001363734.1); short protein forms V172I, V162I.
Identifiers: ClinVar variation 2282114 (VCV002282114.3), dbSNP rs2011447982, ClinGen allele CA408552536.

ClinVar aggregate classification (germline): Uncertain significance (1 of 4 stars; one submission).

Conditions:
Inborn genetic diseases. Identifiers: MedGen C0950123, MeSH D030342.

Allele frequency attached by ClinVar (database versions not stated): gnomAD exomes below 0.00001.
gnomAD v4.1: 2 of 1,614,214 alleles (0.00012%); highest among the groups gnomAD compares: Non-Finnish European, 0.00017%; no homozygotes.

Submission:

Ambry Genetics
Classification: Uncertain significance for Inborn genetic diseases. Last evaluated: 2025-01-03. Review status: criteria provided, single submitter. Criteria: Ambry Variant Classification Scheme 2023. Collection method: clinical testing. Allele origin: germline.
Comment: The p.V172I variant (also known as c.514G>A), located in coding exon 7 of the ASXL1 gene, results from a G to A substitution at nucleotide position 514. The valine at codon 172 is replaced by isoleucine, an amino acid with highly similar properties. This amino acid position is conserved. In addition, this alteration is predicted to be tolerated by in silico analysis. Based on the available evidence, the clinical significance of this variant remains unclear.